The following is an entry in ClinVar:

ClinVar aggregate classification (germline): Pathogenic/Likely pathogenic. Review status: criteria provided, multiple submitters, no conflicts (2 of 4 stars). 7 submissions from 7 submitters: Pathogenic (5); Likely pathogenic (1). 1 of the submissions does not count toward it. Last evaluated 2026-08-03.

Conditions:
Ehlers-Danlos syndrome, type 4 (EDSVASC). Also called: Ehlers-Danlos syndrome vascular type; Ehlers Danlos syndrome, ecchymotic type; Ehlers Danlos syndrome, arterial type; Ehlers Danlos syndrome, Sack-Barabas type; Ehlers-Danlos Syndrome Type IV. Identifiers: Orphanet 286, MedGen C0268338, MONDO:0017314, OMIM 130050.
Familial thoracic aortic aneurysm and aortic dissection (TAAD). Also called: Thoracic aortic aneurysms and dissections. Identifiers: Orphanet 91387, MedGen C4707243, MONDO:0019625.

Allele frequency attached by ClinVar (database versions not stated): gnomAD exomes below 0.00001.
gnomAD v4.1: 1 of 1,613,170 alleles (0.000062%); highest among the groups gnomAD compares: Non-Finnish European, 0.000085%; no homozygotes.

Submissions (7):

GeneDx
Classification: Pathogenic. Last evaluated: 2026-08-03. Review status: criteria provided, single submitter. Criteria: GeneDx Variant Classification Process June 2021. Collection method: clinical testing. Allele origin: germline.
Comment: Not observed at significant frequency in large population cohorts (gnomAD); In silico analysis supports that this missense variant has a deleterious effect on protein structure/function; Occurs in the triple helical domain and replaces the glycine in the canonical Gly-X-Y repeat; missense substitution of a canonical glycine residue is expected to disrupt normal protein folding and function, and this is an established mechanism of disease (HGMD); This variant is associated with the following publications: (PMID: 9036918, 24922459, 24399159, 18043893, 25355833, 10706896, 30919682, 30474650, 25758994, 37068529)

Labcorp Genetics (formerly Invitae), Labcorp
Classification: Pathogenic for Ehlers-Danlos syndrome, type 4. Last evaluated: 2025-07-23. Review status: criteria provided, single submitter. Criteria: Invitae Variant Classification Sherloc (09022015). Collection method: clinical testing. Allele origin: germline.
Comment: This sequence change replaces glycine, which is neutral and non-polar, with arginine, which is basic and polar, at codon 540 of the COL3A1 protein (p.Gly540Arg). This variant is not present in population databases (gnomAD no frequency). This missense change has been observed in individuals with Ehlers–Danlos syndrome (PMID: 10706896, 24922459, 25355833). This variant is also known as p.Gly373Arg. ClinVar contains an entry for this variant (Variation ID: 101297). Invitae Evidence Modeling of protein sequence and biophysical properties (such as structural, functional, and spatial information, amino acid conservation, physicochemical variation, residue mobility, and thermodynamic stability) indicates that this missense variant is expected to disrupt COL3A1 protein function with a positive predictive value of 95%. This variant disrupts the triple helix domain of COL3A1. Glycine residues within the Gly-Xaa-Yaa repeats of the triple helix domain are required for the structure and stability of fibrillar collagens (PMID: 7695699, 8218237, 19344236). In COL3A1, variants that affect these glycine residues are significantly enriched in individuals with disease (PMID: 24922459, 25758994) compared to the general population (ExAC). For these reasons, this variant has been classified as Pathogenic.

Ambry Genetics
Classification: Likely pathogenic for Familial thoracic aortic aneurysm and aortic dissection. Last evaluated: 2025-02-25. Review status: criteria provided, single submitter. Criteria: Ambry Variant Classification Scheme 2023. Collection method: clinical testing. Allele origin: germline.
Comment: The p.G540R variant (also known as c.1618G>A), located in coding exon 23 of the COL3A1 gene, results from a G to A substitution at nucleotide position 1618. The glycine at codon 540 is replaced by arginine, an amino acid with dissimilar properties. The majority (approximately two-thirds) ofCOL3A1mutations identified to date have involved the substitution of another amino acid for glycine within the triple-helical domain (PepinMG et al.GenetMed.2014;16(12):881-8; Frank M et al.Eur J Hum Genet. 2015;23(12):1657-64). Internal structural analysis indicates that this alteration disrupts the characteristic G-X-Y motif in theCOL3A1protein and inserts a bulky side chain into asterically-constrainedregion (Bella J et al.Science.1994;266:75-81;HohenesterE et al.Proc. Natl.Acad. Sci. U.S.A.2008;105:18273-7; Ambry internal data). This variant was reported in individual(s) with features consistent with vascular Ehlers-Danlos syndrome (EDS) (Pepin M et al. N Engl J Med, 2000 Mar;342:673-80; Debette S et al. Neurology, 2014 Nov;83:2023-31; Henneton P et al. Circ Genom Precis Med, 2019 Mar;12:e001996; Bowen JM et al. Eur J Hum Genet, 2023 Jul;31:749-760; Shalhub S et al. J Vasc Surg, 2023 Aug;78:394-404; Yagyu T et al. J Am Heart Assoc, 2023 Apr;12:e028625). This variant is considered to be rare based on population cohorts in the Genome Aggregation Database (gnomAD). This amino acid position is highly conserved in available vertebrate species. In addition, this alteration is predicted to be deleterious by in silico analysis. Based on the majority of available evidence to date, this variant is likely to be pathogenic.

Centre of Medical Genetics, University of Antwerp
Classification: Pathogenic for Familial thoracic aortic aneurysm and aortic dissection. Last evaluated: 2024-09-06. Review status: criteria provided, single submitter. Criteria: ACMG Guidelines, 2015. Collection method: clinical testing. Allele origin: germline. Affected: yes.
Comment: P(PS4; PM2; PP2-3)

3billion
Classification: Pathogenic for Ehlers-Danlos syndrome, type 4. Last evaluated: 2023-08-21. Review status: criteria provided, single submitter. Criteria: ACMG Guidelines, 2015. Collection method: clinical testing. Allele origin: germline. Affected: yes.
Comment: The variant is not observed in the gnomAD v2.1.1 dataset. Predicted Consequence/Location: Missense changes are a common disease-causing mechanism. In silico tool predictions suggest damaging effect of the variant on gene or gene product [REVEL: 0.99 (>=0.6, sensitivity 0.68 and specificity 0.92); 3Cnet: 1.00 (>=0.6, sensitivity 0.72 and precision 0.9)]. Same nucleotide change resulting in same amino acid change has been previously reported as pathogenic/likely pathogenic with strong evidence (ClinVar ID: VCV000101297 /PMID: 10706896).The variant has been observed in at least two similarly affected unrelated individuals (PMID: 10706896, 24922459, 25355833). Therefore, this variant is classified as Pathogenic according to the recommendation of ACMG/AMP guideline.

Women's Health and Genetics/Laboratory Corporation of America, LabCorp
Classification: Pathogenic for Ehlers-Danlos syndrome, type 4. Last evaluated: 2016-06-17. Review status: criteria provided, single submitter. Criteria: LabCorp Variant Classification Summary - May 2015. Collection method: clinical testing. Allele origin: germline.
Comment: Variant summary: The COL3A1 c.1618G>A (p.Gly540Arg) variant involves the alteration of a conserved critical nucleotide. 5/5 in silico tools predict a damaging outcome for this variant. Other mutations affecting Glycine residues in the Gly-X-Y repeat of the triple helix domain (Gly519Glu, Gly549Glu, Gly567Glu) have been reported in association with EDS, further supporting the functional importance of this region of the protein. This variant is absent in 120568 control chromosomes and has been reported in multiple affected individuals with EDS type IV. In addition, multiple clinical diagnostic laboratories classified this variant as pathogenic. Taken together, this variant is classified as pathogenic.

Collagen Diagnostic Laboratory, University of Washington
Classification: Pathogenic for Ehlers-Danlos syndrome, type 4. Review status: no assertion criteria provided. Collection method: clinical testing. Allele origin: germline. Affected: yes. Not counted in ClinVar's aggregate classification.

Literature cited by the submitters: PubMed 10706896 (cited by 5 submitters); PubMed 24922459 (cited by Labcorp Genetics (formerly Invitae), Labcorp and 3billion); PubMed 25355833 (cited by 3 submitters); PubMed 7695699 (cited by Labcorp Genetics (formerly Invitae), Labcorp); PubMed 8218237 (cited by Labcorp Genetics (formerly Invitae), Labcorp); PubMed 19344236 (cited by Labcorp Genetics (formerly Invitae), Labcorp); PubMed 25758994 (cited by Labcorp Genetics (formerly Invitae), Labcorp and Women's Health and Genetics/Laboratory Corporation of America, LabCorp); PubMed 30919682 (cited by Ambry Genetics); PubMed 36977837 (cited by Ambry Genetics); PubMed 37042257 (cited by Ambry Genetics); PubMed 37068529 (cited by Ambry Genetics); PubMed 9036918 (cited by Women's Health and Genetics/Laboratory Corporation of America, LabCorp and Collagen Diagnostic Laboratory, University of Washington); PubMed 18043893 (cited by Collagen Diagnostic Laboratory, University of Washington).

NM_000090.4(COL3A1):c.1618G>A (p.Gly540Arg)

Gene: COL3A1 (collagen type III alpha 1 chain; plus strand). Cytogenetic location: 2q32.2.
Variant type: single nucleotide variant.
Coding change: c.1618G>A on transcript NM_000090.4 (MANE Select); coding-DNA position 1618, G replaced by A.
Protein change: p.Gly540Arg; replaces glycine 540 with arginine.
Molecular consequence: missense variant.
Genome position (GRCh38, 1-based): chr2:188,996,134, G>A. VCF-style: chr2-188996134-G-A. GRCh37 (hg19) VCF-style: chr2-189860860-G-A.
Other names: p.G540R:GGA>AGA.
Identifiers: ClinVar variation 101297 (VCV000101297.16), dbSNP rs587779584, ClinGen allele CA004370.
Genomic context (GRCh38, chr2:188,996,134, plus strand): 5'-TTTTTTATTATTTCATTTTAAATCACCTAACAACTGACTTCTTTACTTCAGGGCATGCCC[G>A]GAAGTCCAGGAGGACCAGGAAGTGATGGGAAACCAGGGCCTCCCGTATGTACATTTTTAA-3'
Protein context (NP_000081.2, residues 530-550): PGGPGMRGMP[Gly540Arg]SPGGPGSDGK